The following is an entry in ClinVar:

NM_015047.3(EMC1):c.812_813delinsTT (p.Gly271Val)

Genes: EMC1 (ER membrane protein complex subunit 1; minus strand), EMC1-AS1 (EMC1 antisense RNA 1; plus strand). Cytogenetic location: 1p36.13.
Variant type: Indel.
Coding change: c.812_813delinsTT on transcript NM_015047.3 (MANE Select); coding-DNA positions 812 to 813, GA replaced by TT.
Protein change: p.Gly271Val; replaces glycine 271 with valine.
Molecular consequence: missense variant.
Genome position (GRCh38, 1-based): chr1:19,239,959-19,239,960, TC replaced by AA on the plus strand (GA replaced by TT on the coding strand, the reverse complement: EMC1 is on the minus strand). VCF-style: chr1-19239959-TC-AA. GRCh37 (hg19) VCF-style: chr1-19566453-TC-AA.
Other names: c.812_813delinsTT, p.Gly271Val (NM_001271427.2, NM_001271428.2, NM_001375820.1 and 1 more transcripts); c.746_747delinsTT, p.Gly249Val (NM_001271429.2); short protein forms G271V, G249V.
Identifiers: ClinVar variation 2818030 (VCV002818030.3), dbSNP rs2536781050, ClinGen allele CA2739272333.

ClinVar aggregate classification (germline): Uncertain significance (1 of 4 stars; one submission).

Submission:

Labcorp Genetics (formerly Invitae), Labcorp
Classification: Uncertain significance. Last evaluated: 2022-12-02. Review status: criteria provided, single submitter. Criteria: Invitae Variant Classification Sherloc (09022015). Collection method: clinical testing. Allele origin: germline.
Comment: In summary, the available evidence is currently insufficient to determine the role of this variant in disease. Therefore, it has been classified as a Variant of Uncertain Significance. Algorithms developed to predict the effect of missense changes on protein structure and function are either unavailable or do not agree on the potential impact of this missense change (SIFT: "Not Available"; PolyPhen-2: "Benign"; Align-GVGD: "Not Available"). This variant has not been reported in the literature in individuals affected with EMC1-related conditions. Information on the frequency of this variant in the gnomAD database is not available, as this variant may be reported differently in the database. This sequence change replaces glycine, which is neutral and non-polar, with valine, which is neutral and non-polar, at codon 271 of the EMC1 protein (p.Gly271Val).